The following is an entry in ClinVar:

ClinVar aggregate classification (germline): Likely benign (1 of 4 stars; one submission).

Allele frequency attached by ClinVar (database versions not stated): ESP Exome Variant Server 0.00531; gnomAD 0.00575; 1000 Genomes Project 0.00599; 1000 Genomes Project 30x 0.00640.
gnomAD v4.1: 1,593 of 1,547,336 alleles (0.1%); highest among the groups gnomAD compares: African/African-American, 2%; 11 homozygotes.

Submission:

GeneDx
Classification: Likely benign. Last evaluated: 2018-10-04. Review status: criteria provided, single submitter. Criteria: GeneDx Variant Classification Process June 2021. Collection method: clinical testing. Allele origin: germline. Affected: yes.
Comment: See Variant Classification Assertion Criteria.

NM_024782.3(NHEJ1):c.707-22C>G

Genes: NHEJ1 (non-homologous end joining factor 1; minus strand), LOC126806516 (BRD4-independent group 4 enhancer GRCh37_chr2:219941606-219942805; plus strand). Cytogenetic location: 2q35.
Variant type: single nucleotide variant.
Coding change: c.707-22C>G on transcript NM_024782.3 (MANE Select); 22 bases into the intron before coding-DNA position 707, C replaced by G.
Molecular consequence: intron variant.
Genome position (GRCh38, 1-based): chr2:219,077,386, G>C on the plus strand (C>G on the coding strand, the complement: NHEJ1 is on the minus strand). VCF-style: chr2-219077386-G-C. GRCh37 (hg19) VCF-style: chr2-219942108-G-C.
Other names: c.722-22C>G (NM_001377499.1); c.707-22C>G (NM_001377498.1).
Identifiers: ClinVar variation 1804537 (VCV001804537.1), dbSNP rs79077082, ClinGen allele CA2116877.
Genomic context (GRCh38, chr2:219,077,386, plus strand): 5'-TTCCTTGCAGGGAAGCACTGTTTGAGGTATGAGGATCTCCTGAAATCAGAAAGATCAAGA[G>C]AAGATAGTGATAAATGCCTTCTTCTTACCAGGAAGATATTAGCATTCACCAAGCATTCTG-3'